The following is an entry in ClinVar:

ClinVar aggregate classification (germline): Pathogenic (1 of 4 stars; one submission).

Conditions:
Maturity-onset diabetes of the young type 3. Also called: MODY type 3; MODY, type III. Identifiers: Orphanet 552, MedGen C1838100, MeSH C563933, MONDO:0010894, OMIM 600496. Disease mechanism: loss of function.

Submission:

Institute of Immunology and Genetics Kaiserslautern
Classification: Pathogenic for Maturity-onset diabetes of the young type 3. Last evaluated: 2026-01-20. Review status: criteria provided, single submitter. Criteria: ACMG Guidelines, 2015. Collection method: clinical testing. Allele origin: germline. Affected: yes.
Comment: ACMG Criteria: PS3, PS4_P, PM1, PM2_P, PM5, PP3; Variant was found in heterozygous state.

NM_000545.8(HNF1A):c.392G>C (p.Arg131Pro)

Gene: HNF1A (HNF1 homeobox A; plus strand). Cytogenetic location: 12q24.31.
Variant type: single nucleotide variant.
Coding change: c.392G>C on transcript NM_000545.8 (MANE Select); coding-DNA position 392, G replaced by C.
Protein change: p.Arg131Pro; replaces arginine 131 with proline.
Molecular consequence: missense variant.
Genome position (GRCh38, 1-based): chr12:120,988,898, G>C. VCF-style: chr12-120988898-G-C. GRCh37 (hg19) VCF-style: chr12-121426701-G-C.
Other names: c.392G>C, p.Arg131Pro (NM_001306179.2, NM_001406915.1); short protein forms R131P.
Identifiers: ClinVar variation 4851404 (VCV004851404.1).
Genomic context (GRCh38, chr12:120,988,898, plus strand): 5'-ACCCGTGGCGTGTGGCGAAGATGGTCAAGTCCTACCTGCAGCAGCACAACATCCCACAGC[G>C]GGAGGTGGTCGATACCACTGGCCTCAACCAGTCCCACCTGTCCCAACACCTCAACAAGGG-3'
Protein context (NP_000536.6, residues 121-141): SYLQQHNIPQ[Arg131Pro]EVVDTTGLNQ